The following is an entry in ClinVar:

NM_000101.4(CYBA):c.393G>A (p.Trp131Ter)

Gene: CYBA (cytochrome b-245 alpha chain; minus strand). Cytogenetic location: 16q24.2.
Variant type: single nucleotide variant.
Coding change: c.393G>A on transcript NM_000101.4 (MANE Select); coding-DNA position 393, G replaced by A.
Protein change: p.Trp131Ter; replaces tryptophan 131 with a stop codon.
Molecular consequence: nonsense.
Genome position (GRCh38, 1-based): chr16:88,643,548, C>T on the plus strand (G>A on the coding strand, the complement: CYBA is on the minus strand). VCF-style: chr16-88643548-C-T. GRCh37 (hg19) VCF-style: chr16-88709956-C-T.
Other names: short protein forms W131*.
Identifiers: ClinVar variation 1032885 (VCV001032885.2), dbSNP rs1284271131, ClinGen allele CA397057939.

ClinVar aggregate classification (germline): Pathogenic (1 of 4 stars; one submission).

Conditions:
Granulomatous disease, chronic, autosomal recessive, cytochrome b-negative. Also called: GRANULOMATOUS DISEASE, CHRONIC, AUTOSOMAL RECESSIVE, 4; Chronic granulomatous disease, autosomal, due to deficiency of CYBA; CGD DUE TO DEFICIENCY OF THE ALPHA SUBUNIT OF CYTOCHROME b; CGD, AUTOSOMAL RECESSIVE CYTOCHROME b-NEGATIVE; CYBA DEFICIENCY. Identifiers: Orphanet 379, MedGen C1856255, MONDO:0009308, OMIM 233690.

Allele frequency attached by ClinVar (database versions not stated): 1000 Genomes Project 30x 0.00016.

Submission:

Baylor Genetics
Classification: Pathogenic for Granulomatous disease, chronic, autosomal recessive, cytochrome b-negative. Last evaluated: 2018-06-28. Review status: criteria provided, single submitter. Criteria: ACMG Guidelines, 2015. Collection method: clinical testing. Allele origin: maternal. Affected: yes.
Comment: This variant was determined to be pathogenic according to ACMG Guidelines, 2015 [PMID:25741868].